The following is an entry in ClinVar:

NM_000277.3(PAH):c.168+1G>T

Gene: PAH (phenylalanine hydroxylase; minus strand). Cytogenetic location: 12q23.2.
Variant type: single nucleotide variant.
Coding change: c.168+1G>T on transcript NM_000277.3 (MANE Select); the canonical splice donor site of the intron after coding-DNA position 168, G replaced by T.
Molecular consequence: splice donor variant.
Genome position (GRCh38, 1-based): chr12:102,912,790, C>A on the plus strand (G>T on the coding strand, the complement: PAH is on the minus strand). VCF-style: chr12-102912790-C-A. GRCh37 (hg19) VCF-style: chr12-103306568-C-A.
Other names: c.168+1G>T (NM_001354304.2).
Identifiers: ClinVar variation 805827 (VCV000805827.7), dbSNP rs62514898, ClinGen allele CA16020732.

ClinVar aggregate classification (germline): Likely pathogenic. Review status: reviewed by expert panel (3 of 4 stars). 2 submissions from 2 submitters: Likely pathogenic (1). 1 of the submissions does not count toward it. Last evaluated 2019-04-09.

Conditions:
Phenylketonuria (PKU). Also called: Phenylketonuria (PKU); FOLLING DISEASE; OLIGOPHRENIA PHENYLPYRUVICA; Phenylketonurias. Identifiers: Orphanet 716, MedGen C0031485, MONDO:0009861, OMIM 261600. Disease mechanism: loss of function.

Submissions (2):

ClinGen PAH Variant Curation Expert Panel
Classification: Likely pathogenic for Phenylketonuria. Last evaluated: 2019-04-09. Review status: reviewed by expert panel. Criteria: ClinGen PAH ACMG Specifications v1. Collection method: curation. Allele origin: germline. Inheritance: Autosomal recessive inheritance.
Comment: The c.168+1G>T has been reported in compound heterozygote state in 2 patients with PKU (BH4 deficiency not excluded) (PMID: 24368688). The variants in trans include: R111*, and L249F are both confirmed pathogenic (PM3). This variant is absent from population databases (PM2). Null variant (canonical +/- 1 or 2 splice sites) where LOF is a known mechanism of disease, exon skipping preserves reading frame, but the altered region is critical to protein function (14 non-truncating pathogenic variants in the region). In summary, this variant meets criteria to be classified as likely pathogenic for PAH. PAH-specific ACMG/AMP criteria: PM2, PM3, PP4, PVS1_strong.

CeGaT Center for Human Genetics Tuebingen
Classification: Likely pathogenic. Last evaluated: 2025-10-01. Review status: criteria provided, single submitter. Criteria: CeGaT Center For Human Genetics Tuebingen Variant Classification Criteria Version 2. Collection method: clinical testing. Allele origin: germline. Affected: yes. Observed: 1 variant allele. Not counted in ClinVar's aggregate classification.
Comment: PAH: PM2, PM3, PP4:Moderate, PVS1:Moderate, PS1:Supporting

Literature cited by the submitters: PubMed 24368688 (cited by ClinGen PAH Variant Curation Expert Panel).